The following is an entry in ClinVar:

ClinVar aggregate classification (germline): Uncertain significance (1 of 4 stars; one submission).

Conditions:
Congenital glucose-galactose malabsorption (GGM). Also called: MONOSACCHARIDE MALABSORPTION; DIARRHEA 16. Identifiers: Orphanet 35710, MedGen C0268186, MONDO:0011731, OMIM 606824.

Allele frequency attached by ClinVar (database versions not stated): gnomAD 0.00001.
gnomAD v4.1: 11 of 1,613,162 alleles (0.00068%); highest among the groups gnomAD compares: Middle Eastern, 0.017%; no homozygotes.

Submission:

Labcorp Genetics (formerly Invitae), Labcorp
Classification: Uncertain significance for Congenital glucose-galactose malabsorption. Last evaluated: 2021-12-28. Review status: criteria provided, single submitter. Criteria: Invitae Variant Classification Sherloc (09022015). Collection method: clinical testing. Allele origin: germline.
Comment: This sequence change replaces alanine, which is neutral and non-polar, with valine, which is neutral and non-polar, at codon 468 of the SLC5A1 protein (p.Ala468Val). This variant is present in population databases (rs200406921, gnomAD 0.01%). This missense change has been observed in individual(s) with glucose-galactose malabsorption (PMID: 10036327). The SLC5A1 gene is also known as SGLT1. Algorithms developed to predict the effect of missense changes on protein structure and function are either unavailable or do not agree on the potential impact of this missense change (SIFT: "Deleterious"; PolyPhen-2: "Benign"; Align-GVGD: "Class C55"). Experimental studies have shown that this missense change affects SLC5A1 function (PMID: 10036327). In summary, the available evidence is currently insufficient to determine the role of this variant in disease. Therefore, it has been classified as a Variant of Uncertain Significance.

Literature cited by the submitters: PubMed 10036327.

NM_000343.4(SLC5A1):c.1403C>T (p.Ala468Val)

Gene: SLC5A1 (solute carrier family 5 member 1; plus strand). Cytogenetic location: 22q12.3.
Variant type: single nucleotide variant.
Coding change: c.1403C>T on transcript NM_000343.4 (MANE Select); coding-DNA position 1403, C replaced by T.
Protein change: p.Ala468Val; replaces alanine 468 with valine.
Molecular consequence: missense variant.
Genome position (GRCh38, 1-based): chr22:32,099,305, C>T. VCF-style: chr22-32099305-C-T. GRCh37 (hg19) VCF-style: chr22-32495292-C-T.
Other names: c.1022C>T, p.Ala341Val (NM_001256314.2); short protein forms A468V, A341V.
Identifiers: ClinVar variation 2138438 (VCV002138438.1), dbSNP rs200406921, ClinGen allele CA10198225.